The following is an entry in ClinVar:

ClinVar aggregate classification (germline): Uncertain significance (1 of 4 stars; one submission).

Submission:

CeGaT Center for Human Genetics Tuebingen
Classification: Uncertain significance. Last evaluated: 2023-07-01. Review status: criteria provided, single submitter. Criteria: CeGaT Center For Human Genetics Tuebingen Variant Classification Criteria Version 2. Collection method: clinical testing. Allele origin: germline. Affected: yes. Observed: 1 variant allele.
Comment: EED: PM2, PP2

NM_003797.5(EED):c.697G>A (p.Glu233Lys)

Gene: EED (embryonic ectoderm development; plus strand). Cytogenetic location: 11q14.2.
Variant type: single nucleotide variant.
Coding change: c.697G>A on transcript NM_003797.5 (MANE Select); coding-DNA position 697, G replaced by A.
Protein change: p.Glu233Lys; replaces glutamic acid 233 with lysine.
Molecular consequence: missense variant.
Genome position (GRCh38, 1-based): chr11:86,264,234, G>A. VCF-style: chr11-86264234-G-A. GRCh37 (hg19) VCF-style: chr11-85975276-G-A.
Other names: c.697G>A, p.Glu233Lys (NM_001308007.2, NM_001330334.2); short protein forms E233K.
Identifiers: ClinVar variation 2642252 (VCV002642252.24), dbSNP rs2495852371, ClinGen allele CA382004509.